The following is an entry in ClinVar:

ClinVar aggregate classification (germline): Conflicting classifications of pathogenicity. Review status: criteria provided, conflicting classifications (1 of 4 stars). 3 submissions from 3 submitters: Likely pathogenic (2); Uncertain significance (1). Last evaluated 2025-08-21.

Conditions:
Autosomal recessive Alport syndrome (ATS2). Also called: Alport syndrome type 2; ALPORT SYNDROME 2, AUTOSOMAL RECESSIVE; COL4A3-Related Nephropathy; COL4A4 Alport Syndrome and Thin Basement Membrane Nephropathy. Identifiers: Orphanet 63, Orphanet 88919, MedGen C4746745, MONDO:0008762, OMIM 203780.
Hematuria, benign familial, 1 (BFH1). Also called: THIN MEMBRANE NEPHROPATHY. Identifiers: MedGen CN376803, MONDO:0007709, OMIM 141200.
Alport syndrome. Also called: Hemorrhagic familial nephritis; Hemorrhagic hereditary nephritis; Congenital hereditary hematuria. Identifiers: Orphanet 63, MedGen C1567741, MONDO:0018965.

Allele frequency attached by ClinVar (database versions not stated): gnomAD exomes 0.00001.
gnomAD v4.1: 21 of 1,613,870 alleles (0.0013%); highest among the groups gnomAD compares: Non-Finnish European, 0.0017%; no homozygotes.

Submissions (3):

Natera, Inc.
Classification: Likely pathogenic for Alport syndrome. Last evaluated: 2025-08-21. Review status: criteria provided, single submitter. Criteria: Natera Variant Classification Schema (03/2026). Collection method: clinical testing. Allele origin: germline.
Comment: The c.4037G>T variant in COL4A4 is a missense variant predicted to cause substitution of glycine to valine at amino acid 1346. This variant is rare in the general population with a frequency below the threshold expected for the associated phenotype(s). This variant is located in a functionally critical region of the protein. Computational prediction algorithms indicate this variant is likely to affect gene or protein function. Given the available evidence, this variant is classified as Likely Pathogenic.

Fulgent Genetics
Classification: Likely pathogenic for Hematuria, benign familial, 1; Autosomal recessive Alport syndrome. Last evaluated: 2024-06-03. Review status: criteria provided, single submitter. Criteria: ACMG Guidelines, 2015. Collection method: clinical testing. Allele origin: germline.

Labcorp Genetics (formerly Invitae), Labcorp
Classification: Uncertain significance. Last evaluated: 2023-12-15. Review status: criteria provided, single submitter. Criteria: Invitae Variant Classification Sherloc (09022015). Collection method: clinical testing. Allele origin: germline.
Comment: This sequence change replaces glycine, which is neutral and non-polar, with valine, which is neutral and non-polar, at codon 1346 of the COL4A4 protein (p.Gly1346Val). This variant is present in population databases (no rsID available, gnomAD 0.003%). This variant has not been reported in the literature in individuals affected with COL4A4-related conditions. ClinVar contains an entry for this variant (Variation ID: 2142297). Advanced modeling of protein sequence and biophysical properties (such as structural, functional, and spatial information, amino acid conservation, physicochemical variation, residue mobility, and thermodynamic stability) performed at Invitae indicates that this missense variant is expected to disrupt COL4A4 protein function with a positive predictive value of 95%. In summary, the available evidence is currently insufficient to determine the role of this variant in disease. Therefore, it has been classified as a Variant of Uncertain Significance.

NM_000092.5(COL4A4):c.4037G>T (p.Gly1346Val)

Gene: COL4A4 (collagen type IV alpha 4 chain; minus strand). Cytogenetic location: 2q36.3.
Variant type: single nucleotide variant.
Coding change: c.4037G>T on transcript NM_000092.5 (MANE Select); coding-DNA position 4037, G replaced by T.
Protein change: p.Gly1346Val; replaces glycine 1346 with valine.
Molecular consequence: missense variant.
Genome position (GRCh38, 1-based): chr2:227,027,946, C>A on the plus strand (G>T on the coding strand, the complement: COL4A4 is on the minus strand). VCF-style: chr2-227027946-C-A. GRCh37 (hg19) VCF-style: chr2-227892662-C-A.
Other names: short protein forms G1346V.
Identifiers: ClinVar variation 2142297 (VCV002142297.6), dbSNP rs933331654, ClinGen allele CA66557700.